The following is an entry in ClinVar:

ClinVar aggregate classification (germline): Uncertain significance (1 of 4 stars; one submission).

gnomAD v4.1: 1 of 1,614,132 alleles (0.000062%); highest among the groups gnomAD compares: Non-Finnish European, 0.000085%; no homozygotes.

Submission:

Ambry Genetics
Classification: Uncertain significance. Last evaluated: 2024-10-02. Review status: criteria provided, single submitter. Criteria: Ambry Variant Classification Scheme 2023. Collection method: clinical testing. Allele origin: germline.
Comment: The p.P384L variant (also known as c.1151C>T), located in coding exon 13 of the NPAT gene, results from a C to T substitution at nucleotide position 1151. The proline at codon 384 is replaced by leucine, an amino acid with similar properties. This amino acid position is conserved. In addition, this alteration is predicted to be tolerated by in silico analysis. Based on the available evidence, the clinical significance of this variant remains unclear.

NM_002519.3(NPAT):c.1151C>T (p.Pro384Leu)

Gene: NPAT (nuclear protein, coactivator of histone transcription; minus strand). Cytogenetic location: 11q22.3.
Variant type: single nucleotide variant.
Coding change: c.1151C>T on transcript NM_002519.3 (MANE Select); coding-DNA position 1151, C replaced by T.
Protein change: p.Pro384Leu; replaces proline 384 with leucine.
Molecular consequence: missense variant.
Genome position (GRCh38, 1-based): chr11:108,173,833, G>A on the plus strand (C>T on the coding strand, the complement: NPAT is on the minus strand). VCF-style: chr11-108173833-G-A. GRCh37 (hg19) VCF-style: chr11-108044560-G-A.
Other names: c.1151C>T, p.Pro384Leu (NM_001321307.1); short protein forms P384L.
Identifiers: ClinVar variation 3407154 (VCV003407154.1).